The following is an entry in ClinVar:

NM_182649.2(PCNA):c.683G>T (p.Ser228Ile)

Gene: PCNA (proliferating cell nuclear antigen; minus strand). Cytogenetic location: 20p12.3.
Variant type: single nucleotide variant.
Coding change: c.683G>T on transcript NM_182649.2 (MANE Select); coding-DNA position 683, G replaced by T.
Protein change: p.Ser228Ile; replaces serine 228 with isoleucine.
Molecular consequence: missense variant.
Genome position (GRCh38, 1-based): chr20:5,115,472, C>A on the plus strand (G>T on the coding strand, the complement: PCNA is on the minus strand). VCF-style: chr20-5115472-C-A. GRCh37 (hg19) VCF-style: chr20-5096118-C-A.
Other names: c.683G>T, p.Ser228Ile (NM_002592.2); short protein forms S228I.
Identifiers: ClinVar variation 143043 (VCV000143043.8), dbSNP rs369958038, ClinGen allele CA170059.
Genomic context (GRCh38, chr20:5,115,472, plus strand): 5'-ACTACCTACAAAACAAGGTTCAAATTTATTATCTTACCAAGGGGTACATCTGCAGACATA[C>A]TGAGTGTCACCGTTGAAGAGAGTGGAGTGGCTTTTGTAAAGAAGTTCAGGTACCTCAGTG-3'
Protein context (NP_872590.1, residues 218-238): ATPLSSTVTL[Ser228Ile]MSADVPLVVE

ClinVar aggregate classification (germline): Uncertain significance. Review status: criteria provided, multiple submitters, no conflicts (2 of 4 stars). 3 submissions from 3 submitters: Uncertain significance (2). 1 of the submissions does not count toward it. Last evaluated 2025-01-26.

Conditions:
Ataxia-telangiectasia-like disorder 2 (ATLD2). Identifiers: Orphanet 438134, MedGen C4014676, MONDO:0014399, OMIM 615919.

Allele frequency attached by ClinVar (database versions not stated): TOPMed 0.00003; ESP Exome Variant Server 0.00008; gnomAD exomes below 0.00001 and 0.00001; gnomAD 0.00001.
gnomAD v4.1: 7 of 1,613,968 alleles (0.00043%); highest among the groups gnomAD compares: Non-Finnish European, 0.00051%; no homozygotes.

Submissions (3):

Revvity Omics, Revvity
Classification: Uncertain significance for Ataxia-telangiectasia-like disorder 2. Last evaluated: 2025-01-26. Review status: criteria provided, single submitter. Criteria: ACMG Guidelines, 2015. Collection method: clinical testing. Allele origin: germline.

Baylor Genetics
Classification: Uncertain significance for Ataxia-telangiectasia-like disorder 2. Last evaluated: 2018-04-03. Review status: criteria provided, single submitter. Criteria: ACMG Guidelines, 2015. Collection method: clinical testing. Allele origin: maternal. Affected: yes.
Comment: This variant was determined to be of uncertain significance according to ACMG Guidelines, 2015 [PMID:25741868].

OMIM
Classification: Pathogenic for ATAXIA-TELANGIECTASIA-LIKE DISORDER 2 (1 family). Last evaluated: 2014-07-01. Review status: no assertion criteria provided. Collection method: literature only. Allele origin: germline. Not counted in ClinVar's aggregate classification.

Literature cited by the submitters: PubMed 24911150 (cited by OMIM).